The following is an entry in ClinVar:

ClinVar aggregate classification (germline): Uncertain significance (1 of 4 stars; one submission).

Allele frequency attached by ClinVar (database versions not stated): TOPMed below 0.00001; gnomAD 0.00001.
gnomAD v4.1: 1 of 1,613,434 alleles (0.000062%); highest among the groups gnomAD compares: Non-Finnish European, 0.000085%; no homozygotes.

Submission:

Ambry Genetics
Classification: Uncertain significance. Last evaluated: 2023-11-02. Review status: criteria provided, single submitter. Criteria: Ambry Variant Classification Scheme 2023. Collection method: clinical testing. Allele origin: germline.
Comment: The p.A804T variant (also known as c.2410G>A), located in coding exon 21 of the PRKDC gene, results from a G to A substitution at nucleotide position 2410. The alanine at codon 804 is replaced by threonine, an amino acid with similar properties. This amino acid position is conserved. In addition, this alteration is predicted to be tolerated by in silico analysis. Since supporting evidence is limited at this time, the clinical significance of this alteration remains unclear.

NM_006904.7(PRKDC):c.2410G>A (p.Ala804Thr)

Gene: PRKDC (protein kinase, DNA-activated, catalytic subunit; minus strand). Cytogenetic location: 8q11.21.
Variant type: single nucleotide variant.
Coding change: c.2410G>A on transcript NM_006904.7 (MANE Select); coding-DNA position 2410, G replaced by A.
Protein change: p.Ala804Thr; replaces alanine 804 with threonine.
Molecular consequence: missense variant.
Genome position (GRCh38, 1-based): chr8:47,927,203, C>T on the plus strand (G>A on the coding strand, the complement: PRKDC is on the minus strand). VCF-style: chr8-47927203-C-T. GRCh37 (hg19) VCF-style: chr8-48839763-C-T.
Other names: c.2410G>A, p.Ala804Thr (NM_001081640.2); short protein forms A804T.
Identifiers: ClinVar variation 3225793 (VCV003225793.1), dbSNP rs1278442207, ClinGen allele CA371161653.
Genomic context (GRCh38, chr8:47,927,203, plus strand): 5'-CTCCATTTCCATTTTAATTACAATACACATCACAATTCTTCTAAACATTACCTGACAAGG[C>T]TGAAGTCTTCAGGTATCCATCCAGGCAGGGGAGAATGTCTTTGTAATAAGGCTGCATTAC-3'
Protein context (NP_008835.5, residues 794-814): PCLDGYLKTS[Ala804Thr]LSDETKNNWE